The following is an entry in ClinVar:

NM_001330311.2(DVL1):c.749T>C (p.Val250Ala)

Gene: DVL1 (dishevelled segment polarity protein 1; minus strand). Cytogenetic location: 1p36.33.
Variant type: single nucleotide variant.
Coding change: c.749T>C on transcript NM_001330311.2 (MANE Select); coding-DNA position 749, T replaced by C.
Protein change: p.Val250Ala; replaces valine 250 with alanine.
Molecular consequence: missense variant.
Genome position (GRCh38, 1-based): chr1:1,340,267, A>G on the plus strand (T>C on the coding strand, the complement: DVL1 is on the minus strand). VCF-style: chr1-1340267-A-G. GRCh37 (hg19) VCF-style: chr1-1275647-A-G.
Other names: c.749T>C, p.Val250Ala (NM_004421.3); short protein forms V250A.
Identifiers: ClinVar variation 1925896 (VCV001925896.5), dbSNP rs778941776, ClinGen allele CA520448.

ClinVar aggregate classification (germline): Uncertain significance (1 of 4 stars; one submission).

Allele frequency attached by ClinVar (database versions not stated): ExAC 0.00001; gnomAD 0.00001; TOPMed 0.00002.
gnomAD v4.1: 4 of 1,613,868 alleles (0.00025%); highest among the groups gnomAD compares: Admixed American, 0.005%; no homozygotes.

Submission:

Labcorp Genetics (formerly Invitae), Labcorp
Classification: Uncertain significance. Last evaluated: 2024-11-07. Review status: criteria provided, single submitter. Criteria: Invitae Variant Classification Sherloc (09022015). Collection method: clinical testing. Allele origin: germline.
Comment: This sequence change replaces valine, which is neutral and non-polar, with alanine, which is neutral and non-polar, at codon 250 of the DVL1 protein (p.Val250Ala). This variant is present in population databases (rs778941776, gnomAD 0.003%). This variant has not been reported in the literature in individuals affected with DVL1-related conditions. ClinVar contains an entry for this variant (Variation ID: 1925896). Invitae Evidence Modeling of protein sequence and biophysical properties (such as structural, functional, and spatial information, amino acid conservation, physicochemical variation, residue mobility, and thermodynamic stability) indicates that this missense variant is not expected to disrupt DVL1 protein function with a negative predictive value of 80%. In summary, the available evidence is currently insufficient to determine the role of this variant in disease. Therefore, it has been classified as a Variant of Uncertain Significance.